The following is an entry in ClinVar:

NM_201253.3(CRB1):c.3653G>C (p.Cys1218Ser)

Gene: CRB1 (crumbs cell polarity complex component 1; plus strand). Cytogenetic location: 1q31.3.
Variant type: single nucleotide variant.
Coding change: c.3653G>C on transcript NM_201253.3 (MANE Select); coding-DNA position 3653, G replaced by C.
Protein change: p.Cys1218Ser; replaces cysteine 1218 with serine.
Molecular consequence: missense variant. On other transcripts: non-coding transcript variant (2), intron variant (1).
Genome position (GRCh38, 1-based): chr1:197,435,516, G>C. VCF-style: chr1-197435516-G-C. GRCh37 (hg19) VCF-style: chr1-197404646-G-C.
Other names: c.2129-84G>C (NM_001257966.2); c.3317G>C, p.Cys1106Ser (NM_001193640.2); c.3581G>C, p.Cys1194Ser (NM_001257965.2); short protein forms C1218S, C1106S, C1194S.
Identifiers: ClinVar variation 1508064 (VCV001508064.8), dbSNP rs1450635782, ClinGen allele CA344050250.

ClinVar aggregate classification (germline): Conflicting classifications of pathogenicity. Review status: criteria provided, conflicting classifications (1 of 4 stars). 2 submissions from 2 submitters: Likely pathogenic (1); Uncertain significance (1). Last evaluated 2026-01-30.

Conditions:
Leber congenital amaurosis 8 (LCA8). Identifiers: Orphanet 65, MedGen C3151202, MONDO:0013453, OMIM 613835.
Retinitis pigmentosa 12 (RP12). Also called: RP WITH OR WITHOUT PRESERVED PARAARTERIOLE RETINAL PIGMENT EPITHELIUM; RETINITIS PIGMENTOSA WITH OR WITHOUT PARAARTERIOLAR PRESERVATION OF RETINAL PIGMENT EPITHELIUM; RP WITH OR WITHOUT PPRPE. Identifiers: Orphanet 791, MedGen C1838647, MONDO:0010818, OMIM 600105.

Submissions (2):

Labcorp Genetics (formerly Invitae), Labcorp
Classification: Likely pathogenic for Leber congenital amaurosis 8; Retinitis pigmentosa 12. Last evaluated: 2026-01-30. Review status: criteria provided, single submitter. Criteria: Invitae Variant Classification Sherloc (09022015). Collection method: clinical testing. Allele origin: germline.
Comment: This sequence change replaces cysteine, which is neutral and slightly polar, with serine, which is neutral and polar, at codon 1218 of the CRB1 protein (p.Cys1218Ser). This variant is not present in population databases (gnomAD no frequency). This variant has not been reported in the literature in individuals affected with CRB1-related conditions. ClinVar contains an entry for this variant (Variation ID: 1508064). Invitae Evidence Modeling of protein sequence and biophysical properties (such as structural, functional, and spatial information, amino acid conservation, physicochemical variation, residue mobility, and thermodynamic stability) indicates that this missense variant is expected to disrupt CRB1 protein function with a positive predictive value of 95%. This variant disrupts the p.Cys1218 amino acid residue in CRB1. Other variant(s) that disrupt this residue have been determined to be pathogenic (PMID: 12700176). This suggests that this residue is clinically significant, and that variants that disrupt this residue are likely to be disease-causing. In summary, the currently available evidence indicates that the variant is pathogenic, but additional data are needed to prove that conclusively. Therefore, this variant has been classified as Likely Pathogenic.

Women's Health and Genetics/Laboratory Corporation of America, LabCorp
Classification: Uncertain significance. Last evaluated: 2025-07-25. Review status: criteria provided, single submitter. Criteria: LabCorp Variant Classification Summary - May 2015. Collection method: clinical testing. Allele origin: germline.
Comment: Variant summary: CRB1 c.3653G>C (p.Cys1218Ser) results in a non-conservative amino acid change located in the EGF-like domain (IPR000742) of the encoded protein sequence. Algorithms developed to predict the effect of missense changes on protein structure and function all suggest that this variant is likely to be disruptive. The variant was absent in 249062 control chromosomes. To our knowledge, no occurrence of c.3653G>C in individuals affected with Retinal Dystrophy and no experimental evidence demonstrating its impact on protein function have been reported. A different variant affecting the same codon has been classified as likely pathogenic/pathogenic by our lab (c.3653G>A, p.Cys1218Tyr), supporting the critical relevance of codon 1218 to CRB1 protein function. ClinVar contains an entry for this variant (Variation ID: 1508064). Based on the evidence outlined above, the variant was classified as VUS-possibly pathogenic.

Literature cited by the submitters: PubMed 12700176 (cited by Labcorp Genetics (formerly Invitae), Labcorp).